The following is an entry in ClinVar:

NM_000426.4(LAMA2):c.8385dup (p.Glu2796fs)

Gene: LAMA2 (laminin subunit alpha 2; plus strand). Cytogenetic location: 6q22.33.
Variant type: Duplication.
Coding change: c.8385dup on transcript NM_000426.4 (MANE Select); coding-DNA position 8385, one base duplicated (C; older notation c.8385dupC).
Protein change: p.Glu2796fs; shifts the reading frame from glutamic acid 2796.
Molecular consequence: frameshift variant.
Genome position (GRCh38, 1-based): chr6:129,503,118, C duplicated; the last of 2 consecutive C bases (chr6:129,503,117-129,503,118); duplicating either gives the same sequence. VCF-style (leftmost placement, unchanged base first): chr6-129503116-A-AC. GRCh37 (hg19) VCF-style: chr6-129824261-A-AC.
Other names: c.8373dup, p.Glu2792fs (NM_001079823.2); short protein forms E2792fs, E2796fs.
Identifiers: ClinVar variation 5011782 (VCV005011782.1).

ClinVar aggregate classification (germline): Pathogenic (1 of 4 stars; one submission).

Conditions:
LAMA2-related muscular dystrophy (LAMA2-RD). Also called: Laminin alpha 2-related dystrophy. Identifiers: MedGen C5679788, MONDO:0100228.

Submission:

Myriad Genetics, Inc.
Classification: Pathogenic for LAMA2-related muscular dystrophy. Last evaluated: 2023-09-27. Review status: criteria provided, single submitter. Criteria: Myriad Autosomal Dominant, Autosomal Recessive and X-Linked Classification Criteria (2023). Collection method: clinical testing. Allele origin: unknown.
Comment: NM_000426.3(LAMA2):c.8385dupC(E2796Rfs*3) is expected to be pathogenic in the context of muscular dystrophy, LAMA2-related. This variant is predicted to lead to an abnormal or absent protein product due to the creation of a premature termination codon in LAMA2, a gene where loss-of-function variants are known to be pathogenic. Please note: this variant was assessed in the context of healthy population screening.